The following is an entry in ClinVar:

ClinVar aggregate classification (germline): Likely benign (1 of 4 stars; one submission).

gnomAD v4.1: 7,959 of 1,613,142 alleles (0.49%); highest among the groups gnomAD compares: Non-Finnish European, 0.63%; 24 homozygotes.

Submission:

CeGaT Center for Human Genetics Tuebingen
Classification: Likely benign. Last evaluated: 2025-05-01. Review status: criteria provided, single submitter. Criteria: CeGaT Center For Human Genetics Tuebingen Variant Classification Criteria Version 2. Collection method: clinical testing. Allele origin: germline. Affected: yes. Observed: 1 variant allele.
Comment: FZD9: BP4, BP7, BS2

NM_003508.3(FZD9):c.1179G>A (p.Thr393=)

Gene: FZD9 (frizzled class receptor 9; plus strand). Cytogenetic location: 7q11.23.
Variant type: single nucleotide variant.
Coding change: c.1179G>A on transcript NM_003508.3 (MANE Select); coding-DNA position 1179, G replaced by A.
Protein change: p.Thr393=; no amino-acid change (threonine 393 retained).
Molecular consequence: synonymous variant.
Genome position (GRCh38, 1-based): chr7:73,435,186, G>A. VCF-style: chr7-73435186-G-A. GRCh37 (hg19) VCF-style: chr7-72849516-G-A.
Identifiers: ClinVar variation 3904981 (VCV003904981.10).